The following is an entry in ClinVar:

NM_000091.5(COL4A3):c.4483C>T (p.Gln1495Ter)

Genes: COL4A3 (collagen type IV alpha 3 chain; plus strand), MFF-DT (MFF divergent transcript; minus strand). Cytogenetic location: 2q36.3.
Variant type: single nucleotide variant.
Coding change: c.4483C>T on transcript NM_000091.5 (MANE Select); coding-DNA position 4483, C replaced by T.
Protein change: p.Gln1495Ter; replaces glutamine 1495 with a stop codon.
Molecular consequence: nonsense.
Genome position (GRCh38, 1-based): chr2:227,308,919, C>T. VCF-style: chr2-227308919-C-T. GRCh37 (hg19) VCF-style: chr2-228173635-C-T.
Other names: short protein forms Q1495*.
Identifiers: ClinVar variation 2905099 (VCV002905099.3), dbSNP rs2469936865, ClinGen allele CA350864593.

ClinVar aggregate classification (germline): Pathogenic (1 of 4 stars; one submission).

Submission:

Labcorp Genetics (formerly Invitae), Labcorp
Classification: Pathogenic. Last evaluated: 2023-08-30. Review status: criteria provided, single submitter. Criteria: Invitae Variant Classification Sherloc (09022015). Collection method: clinical testing. Allele origin: germline.
Comment: For these reasons, this variant has been classified as Pathogenic. Algorithms developed to predict the effect of sequence changes on RNA splicing suggest that this variant may disrupt the consensus splice site. This variant has not been reported in the literature in individuals affected with COL4A3-related conditions. This variant is not present in population databases (gnomAD no frequency). This sequence change creates a premature translational stop signal (p.Gln1495*) in the COL4A3 gene. It is expected to result in an absent or disrupted protein product. Loss-of-function variants in COL4A3 are known to be pathogenic (PMID: 8956999, 24854265, 26809805, 27281700).

Literature cited by the submitters: PubMed 8956999; PubMed 24854265; PubMed 26809805; PubMed 27281700.